The following is an entry in ClinVar:

ClinVar aggregate classification (germline): Benign (1 of 4 stars; one submission).

Allele frequency attached by ClinVar (database versions not stated): 1000 Genomes Project 0.54293; 1000 Genomes Project 30x 0.54888; gnomAD 0.55095 and 0.55702; TOPMed 0.55721.
gnomAD v4.1: 83,604 of 152,012 alleles (55%); highest among the groups gnomAD compares: African/African-American, 69%; 23,583 homozygotes.

Submission:

GeneDx
Classification: Benign. Last evaluated: 2018-06-18. Review status: criteria provided, single submitter. Criteria: GeneDx Variant Classification (06012015). Collection method: clinical testing. Allele origin: germline. Affected: yes.
Comment: This variant is considered likely benign or benign based on one or more of the following criteria: it is a conservative change, it occurs at a poorly conserved position in the protein, it is predicted to be benign by multiple in silico algorithms, and/or has population frequency not consistent with disease.

NM_000093.5(COL5A1):c.4554+321T>C

Genes: COL5A1 (collagen type V alpha 1 chain; plus strand), LOC101448202 (uncharacterized LOC101448202; minus strand). Cytogenetic location: 9q34.3.
Variant type: single nucleotide variant.
Coding change: c.4554+321T>C on transcript NM_000093.5 (MANE Select); 321 bases into the intron after coding-DNA position 4554, T replaced by C.
Molecular consequence: intron variant.
Genome position (GRCh38, 1-based): chr9:134,820,544, T>C. VCF-style: chr9-134820544-T-C. GRCh37 (hg19) VCF-style: chr9-137712390-T-C.
Other names: c.4554+321T>C (NM_001278074.1).
Identifiers: ClinVar variation 683393 (VCV000683393.1), dbSNP rs4842171, ClinGen allele CA12975196.